The following is an entry in ClinVar:

NM_002335.4(LRP5):c.3825C>T (p.Pro1275=)

Gene: LRP5 (LDL receptor related protein 5; plus strand). Cytogenetic location: 11q13.2.
Variant type: single nucleotide variant.
Coding change: c.3825C>T on transcript NM_002335.4 (MANE Select); coding-DNA position 3825, C replaced by T.
Protein change: p.Pro1275=; no amino-acid change (proline 1275 retained).
Molecular consequence: synonymous variant.
Genome position (GRCh38, 1-based): chr11:68,433,663, C>T. VCF-style: chr11-68433663-C-T. GRCh37 (hg19) VCF-style: chr11-68201131-C-T.
Other names: c.3825C>T (NM_002335.3); c.2082C>T, p.Pro694= (NM_001291902.2).
Identifiers: ClinVar variation 1986018 (VCV001986018.5), dbSNP rs765940834, ClinGen allele CA6150122.

ClinVar aggregate classification (germline): Likely benign. Review status: criteria provided, multiple submitters, no conflicts (2 of 4 stars). 2 submissions from 2 submitters: Likely benign (2). Last evaluated 2026-06-19.

Conditions:
LRP5-related disorder. Also called: LRP5-related condition.

Allele frequency attached by ClinVar (database versions not stated): ExAC 0.00002; gnomAD 0.00002; TOPMed 0.00002.
gnomAD v4.1: 54 of 1,613,322 alleles (0.0033%); highest among the groups gnomAD compares: African/African-American, 0.0067%; no homozygotes.

Submissions (2):

PreventionGenetics, part of Exact Sciences
Classification: Likely benign for LRP5-related condition. Last evaluated: 2026-06-19. Review status: criteria provided, single submitter. Criteria: ACMG Guidelines, 2015. Collection method: clinical testing. Allele origin: germline.
Comment: This variant is classified as likely benign based on ACMG/AMP sequence variant interpretation guidelines (Richards et al. 2015 PMID: 25741868, with internal and published modifications).

Labcorp Genetics (formerly Invitae), Labcorp
Classification: Likely benign. Last evaluated: 2025-08-07. Review status: criteria provided, single submitter. Criteria: Invitae Variant Classification Sherloc (09022015). Collection method: clinical testing. Allele origin: germline.